The following is an entry in ClinVar:

NM_080680.3(COL11A2):c.4369C>T (p.Pro1457Ser)

Gene: COL11A2 (collagen type XI alpha 2 chain; minus strand). Cytogenetic location: 6p21.32.
Variant type: single nucleotide variant.
Coding change: c.4369C>T on transcript NM_080680.3 (MANE Select); coding-DNA position 4369, C replaced by T.
Protein change: p.Pro1457Ser; replaces proline 1457 with serine.
Molecular consequence: missense variant.
Genome position (GRCh38, 1-based): chr6:33,166,536, G>A on the plus strand (C>T on the coding strand, the complement: COL11A2 is on the minus strand). VCF-style: chr6-33166536-G-A. GRCh37 (hg19) VCF-style: chr6-33134313-G-A.
Other names: c.4048C>T, p.Pro1350Ser (NM_080679.3); c.4111C>T, p.Pro1371Ser (NM_080681.3); short protein forms P1457S, P1371S, P1350S.
Identifiers: ClinVar variation 594794 (VCV000594794.10), dbSNP rs1562310536, ClinGen allele CA363620122.
Genomic context (GRCh38, chr6:33,166,536, plus strand): 5'-TTAGGGGATTTTGTGGAGGAACAGAGGCAGTACTCACGGGGAGGCCGGGGGGACCTCCAG[G>A]ACCAATGGGGCCGGATGCTCCTGGGATACCCTAGGAAGGGTAGTGGCTGGTTCAACTGGG-3'
Protein context (NP_542411.2, residues 1447-1467): GIPGASGPIG[Pro1457Ser]GGPPGLPGPA

ClinVar aggregate classification (germline): Uncertain significance. Review status: criteria provided, multiple submitters, no conflicts (2 of 4 stars). 3 submissions from 3 submitters: Uncertain significance (3). Last evaluated 2026-01-27.

Submissions (3):

Labcorp Genetics (formerly Invitae), Labcorp
Classification: Uncertain significance. Last evaluated: 2026-01-27. Review status: criteria provided, single submitter. Criteria: Invitae Variant Classification Sherloc (09022015). Collection method: clinical testing. Allele origin: germline.
Comment: This sequence change replaces proline, which is neutral and non-polar, with serine, which is neutral and polar, at codon 1457 of the COL11A2 protein (p.Pro1457Ser). This variant is not present in population databases (gnomAD no frequency). This variant has not been reported in the literature in individuals affected with COL11A2-related conditions. ClinVar contains an entry for this variant (Variation ID: 594794). Invitae Evidence Modeling of protein sequence and biophysical properties (such as structural, functional, and spatial information, amino acid conservation, physicochemical variation, residue mobility, and thermodynamic stability) indicates that this missense variant is not expected to disrupt COL11A2 protein function with a negative predictive value of 95%. In summary, the available evidence is currently insufficient to determine the role of this variant in disease. Therefore, it has been classified as a Variant of Uncertain Significance.

GeneDx
Classification: Uncertain significance. Last evaluated: 2019-06-05. Review status: criteria provided, single submitter. Criteria: GeneDx Variant Classification Process June 2021. Collection method: clinical testing. Allele origin: germline. Affected: yes.
Comment: Has not been previously published as pathogenic or benign to our knowledge; Not observed in large population cohorts (Lek et al., 2016); In silico analysis, which includes protein predictors and evolutionary conservation, supports a deleterious effect

Eurofins Ntd Llc (ga)
Classification: Uncertain significance. Last evaluated: 2017-11-13. Review status: criteria provided, single submitter. Criteria: EGL Classification Definitions 2015. Collection method: clinical testing. Allele origin: germline. Observed: 1 variant allele, 1 heterozygote.